The following is an entry in ClinVar:

ClinVar aggregate classification (germline): Benign. Review status: criteria provided, single submitter (1 of 4 stars). 2 submissions from 2 submitters: Benign (1). 1 of the submissions does not count toward it. Last evaluated 2025-01-01.

Conditions:
OSBPL2-related disorder. Also called: OSBPL2-related condition.

gnomAD v4.1: 176 of 1,605,644 alleles (0.011%); highest among the groups gnomAD compares: South Asian, 0.062%; no homozygotes.

Submissions (2):

Labcorp Genetics (formerly Invitae), Labcorp
Classification: Benign. Last evaluated: 2025-01-01. Review status: criteria provided, single submitter. Criteria: Invitae Variant Classification Sherloc (09022015). Collection method: clinical testing. Allele origin: germline.

PreventionGenetics, part of Exact Sciences
Classification: Likely benign for OSBPL2-related condition. Last evaluated: 2024-07-24. Review status: no assertion criteria provided. Collection method: clinical testing. Allele origin: germline. Not counted in ClinVar's aggregate classification.
Comment: This variant is classified as likely benign based on ACMG/AMP sequence variant interpretation guidelines (Richards et al. 2015 PMID: 25741868, with internal and published modifications).

NM_144498.4(OSBPL2):c.432G>A (p.Gln144=)

Gene: OSBPL2 (oxysterol binding protein like 2; plus strand). Cytogenetic location: 20q13.33.
Variant type: single nucleotide variant.
Coding change: c.432G>A on transcript NM_144498.4 (MANE Select); coding-DNA position 432, G replaced by A.
Protein change: p.Gln144=; no amino-acid change (glutamine 144 retained).
Molecular consequence: synonymous variant.
Genome position (GRCh38, 1-based): chr20:62,273,347, G>A. VCF-style: chr20-62273347-G-A. GRCh37 (hg19) VCF-style: chr20-60848403-G-A.
Other names: c.156G>A, p.Gln52= (NM_001278649.3, NM_001363878.2); c.396G>A, p.Gln132= (NM_014835.5).
Identifiers: ClinVar variation 3352838 (VCV003352838.3).
Genomic context (GRCh38, chr20:62,273,347, plus strand): 5'-CCCCCCCGTGGATTATTTACAGTCTGTGGCTGCTTTTGCTGTTTCGGCTGTGGCTTCCCA[G>A]TGGGAGAGGACCGGCAAACCATTTAATCCACTCTTGGGAGAAACGTATGAATTAATCAGG-3'
Protein context (NP_653081.1, residues 134-154): AAFAVSAVAS[Gln144=]WERTGKPFNP